The following is an entry in ClinVar:

NM_000124.4(ERCC6):c.2834G>A (p.Arg945Gln)

Genes: ERCC6 (ERCC excision repair 6, chromatin remodeling factor; minus strand), LOC126860933 (BRD4-independent group 4 enhancer GRCh37_chr10:50679962-50681161; plus strand). Cytogenetic location: 10q11.23.
Variant type: single nucleotide variant.
Coding change: c.2834G>A on transcript NM_000124.4 (MANE Select); coding-DNA position 2834, G replaced by A.
Protein change: p.Arg945Gln; replaces arginine 945 with glutamine.
Molecular consequence: missense variant.
Genome position (GRCh38, 1-based): chr10:49,472,466, C>T on the plus strand (G>A on the coding strand, the complement: ERCC6 is on the minus strand). VCF-style: chr10-49472466-C-T. GRCh37 (hg19) VCF-style: chr10-50680512-C-T.
Other names: c.2834G>A, p.Arg945Gln (NM_001346440.2); short protein forms R945Q.
Identifiers: ClinVar variation 1365674 (VCV001365674.3), dbSNP rs769234947, ClinGen allele CA5495500.

ClinVar aggregate classification (germline): Uncertain significance (1 of 4 stars; one submission).

Allele frequency attached by ClinVar (database versions not stated): ExAC 0.00001; gnomAD exomes 0.00001.
gnomAD v4.1: 9 of 1,613,988 alleles (0.00056%); highest among the groups gnomAD compares: East Asian, 0.0045%; no homozygotes.

Submission:

Labcorp Genetics (formerly Invitae), Labcorp
Classification: Uncertain significance. Last evaluated: 2022-07-12. Review status: criteria provided, single submitter. Criteria: Invitae Variant Classification Sherloc (09022015). Collection method: clinical testing. Allele origin: germline.
Comment: This sequence change replaces arginine, which is basic and polar, with glutamine, which is neutral and polar, at codon 945 of the ERCC6 protein (p.Arg945Gln). The frequency data for this variant in the population databases is considered unreliable, as metrics indicate poor data quality at this position in the gnomAD database. This variant has not been reported in the literature in individuals affected with ERCC6-related conditions. ClinVar contains an entry for this variant (Variation ID: 1365674). Algorithms developed to predict the effect of missense changes on protein structure and function (SIFT, PolyPhen-2, Align-GVGD) all suggest that this variant is likely to be disruptive. In summary, the available evidence is currently insufficient to determine the role of this variant in disease. Therefore, it has been classified as a Variant of Uncertain Significance.